The following is an entry in ClinVar:

NM_000310.4(PPT1):c.727-1G>A

Gene: PPT1 (palmitoyl-protein thioesterase 1; minus strand). Cytogenetic location: 1p34.2.
Variant type: single nucleotide variant.
Coding change: c.727-1G>A on transcript NM_000310.4 (MANE Select); the canonical splice acceptor site of the intron before coding-DNA position 727, G replaced by A.
Molecular consequence: splice acceptor variant. On other transcripts: intron variant (1).
Genome position (GRCh38, 1-based): chr1:40,076,914, C>T on the plus strand (G>A on the coding strand, the complement: PPT1 is on the minus strand). VCF-style: chr1-40076914-C-T. GRCh37 (hg19) VCF-style: chr1-40542586-C-T.
Other names: c.418-1G>A (NM_001142604.2); c.726+1646G>A (NM_001363695.2).
Identifiers: ClinVar variation 949356 (VCV000949356.10), dbSNP rs1648659458, ClinGen allele CA339846514.
Genomic context (GRCh38, chr1:40,076,914, plus strand): 5'-GGAGGTCTCCTGTAAGGGAATGGTTTCCTTGGCTTGGCCACTTCTGTAAAATCCAAACCA[C>T]TGCAGAAGAAGCAAAGGAAAGAAGCTCAGATATGACACACAGCACATACTGCCAAAATAA-3'

ClinVar aggregate classification (germline): Pathogenic (1 of 4 stars; one submission).

Conditions:
Neuronal ceroid lipofuscinosis 1 (CLN1). Also called: CEROID LIPOFUSCINOSIS, NEURONAL, 1, VARIABLE AGE AT ONSET; PPT1-Related Neuronal Ceroid-Lipofuscinosis. Identifiers: Orphanet 228329, MedGen C1850451, MONDO:0009744, OMIM 256730.

Submission:

Labcorp Genetics (formerly Invitae), Labcorp
Classification: Pathogenic for Neuronal ceroid lipofuscinosis 1. Last evaluated: 2023-08-29. Review status: criteria provided, single submitter. Criteria: Invitae Variant Classification Sherloc (09022015). Collection method: clinical testing. Allele origin: germline.
Comment: For these reasons, this variant has been classified as Pathogenic. Algorithms developed to predict the effect of sequence changes on RNA splicing suggest that this variant may disrupt the consensus splice site. ClinVar contains an entry for this variant (Variation ID: 949356). Disruption of this splice site has been observed in individual(s) with infantile neuronal ceroid lipofuscinosis (PMID: 9664077). This variant is not present in population databases (gnomAD no frequency). This sequence change affects an acceptor splice site in intron 7 of the PPT1 gene. It is expected to disrupt RNA splicing. Variants that disrupt the donor or acceptor splice site typically lead to a loss of protein function (PMID: 16199547), and loss-of-function variants in PPT1 are known to be pathogenic (PMID: 10679943, 21990111).

Literature cited by the submitters: PubMed 9664077; PubMed 16199547; PubMed 10679943; PubMed 21990111.